The following is an entry in ClinVar:

ClinVar aggregate classification (germline): Likely benign (1 of 4 stars; one submission).

gnomAD v4.1: 201 of 1,613,532 alleles (0.012%); highest among the groups gnomAD compares: South Asian, 0.014%; no homozygotes.

Submission:

CeGaT Center for Human Genetics Tuebingen
Classification: Likely benign. Last evaluated: 2026-03-01. Review status: criteria provided, single submitter. Criteria: CeGaT Center For Human Genetics Tuebingen Variant Classification Criteria Version 2. Collection method: clinical testing. Allele origin: germline. Affected: yes. Observed: 1 variant allele.
Comment: LRP1: BP4, BP7

NM_002332.3(LRP1):c.3567C>T (p.Asn1189=)

Gene: LRP1 (LDL receptor related protein 1; plus strand). Cytogenetic location: 12q13.3.
Variant type: single nucleotide variant.
Coding change: c.3567C>T on transcript NM_002332.3 (MANE Select); coding-DNA position 3567, C replaced by T.
Protein change: p.Asn1189=; no amino-acid change (asparagine 1189 retained).
Molecular consequence: synonymous variant.
Genome position (GRCh38, 1-based): chr12:57,175,479, C>T. VCF-style: chr12-57175479-C-T. GRCh37 (hg19) VCF-style: chr12-57569262-C-T.
Identifiers: ClinVar variation 4821133 (VCV004821133.4).